The following is an entry in ClinVar:

ClinVar aggregate classification (germline): Likely benign. Review status: criteria provided, multiple submitters, no conflicts (2 of 4 stars). 3 submissions from 3 submitters: Likely benign (3). Last evaluated 2026-06-29.

Conditions:
Malignant hyperthermia, susceptibility to, 1 (MHS1). Also called: RYR1-Related Malignant Hyperthermia Susceptibility; Anesthesia related hyperthermia; Malignant hyperpyrexia; Fulminating hyperpyrexia; Pharmacogenic myopathy; Malignant hyperthermia suceptibility 1. Identifiers: Orphanet 423, MedGen C2930980, MONDO:0007783, OMIM 145600.
RYR1-related disorder. Also called: RYR1-related condition; RYR1-related disorders. Identifiers: MedGen CN239331.

Submissions (3):

PreventionGenetics, part of Exact Sciences
Classification: Likely benign for RYR1-related condition. Last evaluated: 2026-06-29. Review status: criteria provided, single submitter. Criteria: ACMG Guidelines, 2015. Collection method: clinical testing. Allele origin: germline.
Comment: This variant is classified as likely benign based on ACMG/AMP sequence variant interpretation guidelines (Richards et al. 2015 PMID: 25741868, with internal and published modifications).

Labcorp Genetics (formerly Invitae), Labcorp
Classification: Likely benign for RYR1-related disorder. Last evaluated: 2025-10-17. Review status: criteria provided, single submitter. Criteria: Invitae Variant Classification Sherloc (09022015). Collection method: clinical testing. Allele origin: germline.

Color Diagnostics, LLC DBA Color Health
Classification: Likely benign for Malignant hyperthermia, susceptibility to, 1. Last evaluated: 2022-11-06. Review status: criteria provided, single submitter. Criteria: ACMG Guidelines, 2015. Collection method: clinical testing. Allele origin: germline.

NM_000540.3(RYR1):c.10483AAG[2] (p.Lys3497del)

Gene: RYR1 (ryanodine receptor 1; plus strand). Cytogenetic location: 19q13.2.
Variant type: Microsatellite.
Coding change: c.10483AAG[2] on transcript NM_000540.3 (MANE Select); two copies in a row of the 3-base unit AAG starting at c.10483; the reference has three copies in a row; one copy, 3 bases deleted; also written c.10489_10491del.
Protein change: p.Lys3497del; deletes lysine 3497.
Molecular consequence: inframe deletion.
Genome position (GRCh38, 1-based): chr19:38,525,365-38,525,367, AAG deleted; deleting any 3 consecutive bases within chr19:38,525,359-38,525,367 gives the same sequence; the position shown is the placement nearest the transcript's 3' end. VCF-style (leftmost placement, unchanged base first): chr19-38525358-CAAG-C. GRCh37 (hg19) VCF-style: chr19-39015998-CAAG-C.
Other names: c.10489_10491del (NM_000540.2, NM_000540.3); c.10468AAG[2], p.Lys3492del (NM_001042723.2); short protein forms K3492del, K3497del.
Identifiers: ClinVar variation 698784 (VCV000698784.11), dbSNP rs750515732, ClinGen allele CA053840.